The following is an entry in ClinVar:

ClinVar aggregate classification (germline): Uncertain significance (1 of 4 stars; one submission).

Submission:

GeneDx
Classification: Uncertain significance. Last evaluated: 2022-06-27. Review status: criteria provided, single submitter. Criteria: GeneDx Variant Classification Process June 2021. Collection method: clinical testing. Allele origin: germline. Affected: yes.
Comment: Not observed at significant frequency in large population cohorts (gnomAD); In silico analysis supports that this missense variant has a deleterious effect on protein structure/function; Has not been previously published as pathogenic or benign to our knowledge; Variants in candidate genes are classified as variants of uncertain significance in accordance with ACMG guidelines (Richards et al., 2015); Observed in at least one hemizygous clinically unaffected adult relative of an individual referred for genetic testing at GeneDx

NM_030624.3(KLHL15):c.1480G>A (p.Gly494Ser)

Gene: KLHL15 (kelch like family member 15; minus strand). Cytogenetic location: Xp22.11.
Variant type: single nucleotide variant.
Coding change: c.1480G>A on transcript NM_030624.3 (MANE Select); coding-DNA position 1480, G replaced by A.
Protein change: p.Gly494Ser; replaces glycine 494 with serine.
Molecular consequence: missense variant.
Genome position (GRCh38, 1-based): chrX:23,988,256, C>T on the plus strand (G>A on the coding strand, the complement: KLHL15 is on the minus strand). VCF-style: chrX-23988256-C-T. GRCh37 (hg19) VCF-style: chrX-24006373-C-T.
Other names: short protein forms G494S.
Identifiers: ClinVar variation 2501588 (VCV002501588.1), dbSNP rs2518903869, ClinGen allele CA412599299.